The following is an entry in ClinVar:

NM_201384.3(PLEC):c.7895C>T (p.Ala2632Val)

Gene: PLEC (plectin; minus strand). Cytogenetic location: 8q24.3.
Variant type: single nucleotide variant.
Coding change: c.7895C>T on transcript NM_201384.3 (MANE Select); coding-DNA position 7895, C replaced by T.
Protein change: p.Ala2632Val; replaces alanine 2632 with valine.
Molecular consequence: missense variant.
Genome position (GRCh38, 1-based): chr8:143,921,926, G>A on the plus strand (C>T on the coding strand, the complement: PLEC is on the minus strand). VCF-style: chr8-143921926-G-A. GRCh37 (hg19) VCF-style: chr8-144996094-G-A.
Other names: p.Ala2632Val; c.7976C>T, p.Ala2659Val (NM_000445.5); c.4595C>T, p.Ala1532Val (NM_001410941.1); c.7853C>T, p.Ala2618Val (NM_201378.4); c.7829C>T, p.Ala2610Val (NM_201379.3); c.8306C>T, p.Ala2769Val (NM_201380.4); c.7799C>T, p.Ala2600Val (NM_201381.3); c.7895C>T, p.Ala2632Val (NM_201382.4); and 1 more; short protein forms A1532V, A2600V, A2610V, A2618V, A2632V, A2636V, A2659V, A2769V.
Identifiers: ClinVar variation 2446431 (VCV002446431.2), dbSNP rs2537528550, ClinGen allele CA372521298.

ClinVar aggregate classification (germline): Uncertain significance (1 of 4 stars; one submission).

Conditions:
Autosomal recessive limb-girdle muscular dystrophy type 2Q (LGMDR17). Also called: MUSCULAR DYSTROPHY, LIMB-GIRDLE, AUTOSOMAL RECESSIVE 17. Identifiers: Orphanet 254361, MedGen C3150989, MONDO:0013390, OMIM 613723.

Submission:

Foundation for Research in Genetics and Endocrinology, FRIGE's Institute of Human Genetics
Classification: Uncertain significance for Autosomal recessive limb-girdle muscular dystrophy type 2Q. Last evaluated: 2023-03-31. Review status: criteria provided, single submitter. Criteria: ACMG Guidelines, 2015. Collection method: clinical testing. Allele origin: germline. Inheritance: Autosomal recessive inheritance. Affected: yes. Observed: 1 heterozygote.
Comment: A heterozygous missense variant in exon 32 of the PLEC gene that results in the amino acid substitution of Valine for Alanine at codon 2632 (p.Ala2632Val) was detected. The p.Ala2632Val variant has not been reported in the 1000 genomes, gnomAD (v3.1), gnomdAD (v2), topmed databases. The reference codon is conserved across species. In summary, the variant meets our criteria to be classified as variant of uncertain significance.